The following is an entry in ClinVar:

NM_014875.3(KIF14):c.3114+3A>C

Gene: KIF14 (kinesin family member 14; minus strand). Cytogenetic location: 1q32.1.
Variant type: single nucleotide variant.
Coding change: c.3114+3A>C on transcript NM_014875.3 (MANE Select); 3 bases into the intron after coding-DNA position 3114, A replaced by C.
Molecular consequence: intron variant.
Genome position (GRCh38, 1-based): chr1:200,589,214, T>G on the plus strand (A>C on the coding strand, the complement: KIF14 is on the minus strand). VCF-style: chr1-200589214-T-G. GRCh37 (hg19) VCF-style: chr1-200558342-T-G.
Other names: c.1641+3A>C (NM_001305792.1).
Identifiers: ClinVar variation 426924 (VCV000426924.5), dbSNP rs776623187, ClinGen allele CA1317349.

ClinVar aggregate classification (germline): Uncertain significance. Review status: criteria provided, multiple submitters, no conflicts (2 of 4 stars). 3 submissions from 3 submitters: Uncertain significance (3). Last evaluated 2018-02-26.

Conditions:
Lethal fetal cerebrorenogenitourinary agenesis/hypoplasia syndrome. Also called: Meckel syndrome 12. Identifiers: Orphanet 439897, MedGen C4015701, MONDO:0014552, OMIM 616258.
Microcephaly 20, primary, autosomal recessive. Identifiers: MedGen C4693572, MONDO:0054761, OMIM 617914.

Allele frequency attached by ClinVar (database versions not stated): gnomAD exomes 0.00002; ExAC 0.00002.
gnomAD v4.1: 11 of 1,593,414 alleles (0.00069%); highest among the groups gnomAD compares: South Asian, 0.011%; no homozygotes.

Submissions (3):

Geisinger Autism and Developmental Medicine Institute, Geisinger Health System
Classification: Uncertain significance for Lethal fetal cerebrorenogenitourinary agenesis/hypoplasia syndrome. Last evaluated: 2018-02-26. Review status: criteria provided, single submitter. Criteria: ACMG Guidelines, 2015. Collection method: provider interpretation, clinical testing. Allele origin: maternal. Observed: 1 variant allele.
Comment: The variant is present at a frequency of 0.018% in the South Asian population in ExAC and gnomAD. Computational models predict this variant to damage or destroy the splice donor site in intron 18 and result in abnormal gene splicing. Homozygous and compound heterozygous pathogenic variants have been reported in individuals with autosomal recessive Meckel syndrome 12, clinical features of which include intrauterine growth restriction, microcephaly, cerebellar hypoplasia, renal agenesis/hypoplasia, ureteral hypoplasia, uterine hypoplasia, and flexion arthrogryposis (Filges et al. 2014).

GeneDx
Classification: Uncertain significance. Last evaluated: 2017-03-28. Review status: criteria provided, single submitter. Criteria: GeneDx Variant Classification (06012015). Collection method: clinical testing. Allele origin: germline. Affected: yes.
Comment: The c.3114+3A>C variant in the KIF14 gene has not been reported previously as a pathogenic variant nor as a benign variant, to our knowledge. This variant is predicted to damage or destroy the splice donor site in intron 18, and is expected to cause abnormal gene splicing. However, in the absence of RNA/functional studies, the actual effect of this sequence change in this individual is unknown. The c.3114+3A>C variant is not observed at a significant frequency in large population cohorts (Lek et al., 2016; 1000 Genomes Consortium et al., 2015; Exome Variant Server). We interpret c.3114+3A>C as a variant of uncertain significance.

Neuberg Centre For Genomic Medicine, NCGM
Classification: Uncertain significance for Microcephaly 20, primary, autosomal recessive. Review status: criteria provided, single submitter. Criteria: ACMG Guidelines, 2015. Collection method: clinical testing. Allele origin: germline. Inheritance: Autosomal recessive inheritance. Affected: yes.
Comment: The observed splice region c.3114+3A>C variant in KIF14 gene has not been reported previously as a pathogenic variant nor a benign variant, to our knowledge. The c.3114+3A>C variant has been reported with allele frequency of 0.002% in gnomAD Exomes. This variant has been submitted to the ClinVar database as Uncertain Significance. SpliceAI predicts this variant to cause splice donor loss (0.94). Additional functional studies will be required to prove the pathogenicity of this variant. For these reasons, this variant has been classified as a Variant of Uncertain Significance (VUS). In absence of another reportable variant in KIF14 gene, the molecular diagnosis is not confirmed.